The following is an entry in ClinVar:

NM_018489.3(ASH1L):c.7958G>C (p.Arg2653Pro)

Gene: ASH1L (ASH1 like histone lysine methyltransferase; minus strand). Cytogenetic location: 1q22.
Variant type: single nucleotide variant.
Coding change: c.7958G>C on transcript NM_018489.3 (MANE Select); coding-DNA position 7958, G replaced by C.
Protein change: p.Arg2653Pro; replaces arginine 2653 with proline.
Molecular consequence: missense variant.
Genome position (GRCh38, 1-based): chr1:155,344,206, C>G on the plus strand (G>C on the coding strand, the complement: ASH1L is on the minus strand). VCF-style: chr1-155344206-C-G. GRCh37 (hg19) VCF-style: chr1-155313997-C-G.
Other names: c.7973G>C, p.Arg2658Pro (NM_001366177.2); short protein forms R2658P, R2653P.
Identifiers: ClinVar variation 5008881 (VCV005008881.1).

ClinVar aggregate classification (germline): Uncertain significance (1 of 4 stars; one submission).

Submission:

GeneDx
Classification: Uncertain significance. Last evaluated: 2026-02-19. Review status: criteria provided, single submitter. Criteria: GeneDx Variant Classification Process June 2021. Collection method: clinical testing. Allele origin: germline.
Comment: Not observed at significant frequency in large population cohorts (gnomAD); In silico analysis supports that this missense variant has a deleterious effect on protein structure/function; Has not been previously published as pathogenic or benign to our knowledge